The following is an entry in ClinVar:

NM_006907.4(PYCR1):c.572G>A (p.Gly191Glu)

Gene: PYCR1 (pyrroline-5-carboxylate reductase 1; minus strand). Cytogenetic location: 17q25.3.
Variant type: single nucleotide variant.
Coding change: c.572G>A on transcript NM_006907.4 (MANE Select); coding-DNA position 572, G replaced by A.
Protein change: p.Gly191Glu; replaces glycine 191 with glutamic acid.
Molecular consequence: missense variant. On other transcripts: intron variant (1).
Genome position (GRCh38, 1-based): chr17:81,934,714, C>T on the plus strand (G>A on the coding strand, the complement: PYCR1 is on the minus strand). VCF-style: chr17-81934714-C-T. GRCh37 (hg19) VCF-style: chr17-79892590-C-T.
Other names: c.572G>A, p.Gly191Glu (NM_001282280.2, NM_001330523.2, NM_153824.3); c.653G>A, p.Gly218Glu (NM_001282281.2); c.540+212G>A (NM_001282279.2); short protein forms G191E, G218E.
Identifiers: ClinVar variation 4887834 (VCV004887834.1).
Genomic context (GRCh38, chr17:81,934,714, plus strand): 5'-AGGAGGGCCTGGGCCCCGAGGCGGACTGCCAGGCGCCTTGGAAGTCCCATCTTCACACCC[C>T]CATCAGCCAGGGCATCCAGGGCTGTGAATGCCTGTGGGGAGAAGGCACCCTGAGCCTCTC-3'
Protein context (NP_008838.2, residues 181-201): AFTALDALAD[Gly191Glu]GVKMGLPRRL

ClinVar aggregate classification (germline): Uncertain significance (1 of 4 stars; one submission).

Submission:

GeneDx
Classification: Uncertain significance. Last evaluated: 2026-01-30. Review status: criteria provided, single submitter. Criteria: GeneDx Variant Classification Process June 2021. Collection method: clinical testing. Allele origin: germline.
Comment: Not observed at significant frequency in large population cohorts (gnomAD); In silico analysis supports that this missense variant has a deleterious effect on protein structure/function; This variant is associated with the following publications: (PMID: 25525159, 21487760, 28294978)